The following is an entry in ClinVar:

ClinVar aggregate classification (germline): Likely benign (1 of 4 stars; one submission).

Allele frequency attached by ClinVar (database versions not stated): ExAC 0.00004; 1000 Genomes Project 0.00020; 1000 Genomes Project 30x 0.00031.
gnomAD v4.1: 79 of 1,614,114 alleles (0.0049%); highest among the groups gnomAD compares: Admixed American, 0.085%; no homozygotes.

Submission:

CeGaT Center for Human Genetics Tuebingen
Classification: Likely benign. Last evaluated: 2026-06-01. Review status: criteria provided, single submitter. Criteria: CeGaT Center For Human Genetics Tuebingen Variant Classification Criteria Version 2. Collection method: clinical testing. Allele origin: germline. Affected: yes. Observed: 2 variant alleles.
Comment: KCNN3: BP4, BP7

NM_002249.6(KCNN3):c.1545C>A (p.Pro515=)

Gene: KCNN3 (potassium calcium-activated channel subfamily N member 3; minus strand). Cytogenetic location: 1q21.3.
Variant type: single nucleotide variant.
Coding change: c.1545C>A on transcript NM_002249.6 (MANE Select); coding-DNA position 1545, C replaced by A.
Protein change: p.Pro515=; no amino-acid change (proline 515 retained).
Molecular consequence: synonymous variant.
Genome position (GRCh38, 1-based): chr1:154,733,048, G>T on the plus strand (C>A on the coding strand, the complement: KCNN3 is on the minus strand). VCF-style: chr1-154733048-G-T. GRCh37 (hg19) VCF-style: chr1-154705524-G-T.
Other names: c.1590C>A, p.Pro530= (NM_001204087.2); c.651C>A, p.Pro217= (NM_001365837.1); c.606C>A, p.Pro202= (NM_001365838.1); c.630C>A, p.Pro210= (NM_170782.3).
Identifiers: ClinVar variation 3025444 (VCV003025444.22), dbSNP rs557553959, ClinGen allele CA1132024.
Genomic context (GRCh38, chr1:154,733,048, plus strand): 5'-GAGGCGGGTACTCACCATGATGCCAGTGAGGAGACAGACACCTTTCCCACAGTATGTGTG[G>T]GGCACCATGTCCCCATAACCAATGGAAAGGAATGTGATGGAGATGAGCCACATGGCACCC-3'
Protein context (NP_002240.3, residues 505-525): FLSIGYGDMV[Pro515=]HTYCGKGVCL